The following is an entry in ClinVar:

ClinVar aggregate classification (germline): Pathogenic (1 of 4 stars; one submission).

Conditions:
Ocular cystinosis. Also called: Non-Nephropathic (Ocular) Cystinosis; Non-Nephropathic Cystinosis. Identifiers: Orphanet 213, Orphanet 411641, MedGen C2931013, MONDO:0009064, OMIM 219750.
Juvenile nephropathic cystinosis. Also called: Later-Onset (Juvenile) Cystinosis; Intermediate Cystinosis; CYSTINOSIS, LATE-ONSET JUVENILE OR ADOLESCENT NEPHROPATHIC TYPE. Identifiers: Orphanet 213, Orphanet 411634, MedGen C0268626, MONDO:0009066, OMIM 219900.
Nephropathic cystinosis (CTNS). Also called: Abderhalden Lignac Kaufmann disease; Abderhalden-Kaufmann-Lignac syndrome; CYSTINOSIN, DEFECT OF; LYSOSOMAL CYSTINE TRANSPORT PROTEIN, DEFECT OF. Identifiers: Orphanet 213, Orphanet 411629, MedGen C2931187, MONDO:0100151, OMIM 219800.

Submission:

Labcorp Genetics (formerly Invitae), Labcorp
Classification: Pathogenic for Nephropathic cystinosis; Ocular cystinosis; Juvenile nephropathic cystinosis. Last evaluated: 2018-08-08. Review status: criteria provided, single submitter. Criteria: Invitae Variant Classification Sherloc (09022015). Collection method: clinical testing. Allele origin: germline.
Comment: This variant is a gross deletion of the genomic region encompassing exons 1-9 and the first 166 nucleotides of exon 10 of the CTNS gene, which includes the initiator codon. The 5' end of this event is unknown as it extends beyond the assayed region for this gene and therefore may encompass additional genes. This is expected to result in an absent or disrupted protein product. A 57 kb deletion including CTNS exons 1-10 has been reported as homozygous or in combination with another CTNS variant in individuals affected with cystinosis (PMID: 10625078, 27734949, 18186520,9792862). This 57kb deletion is the most common mutation underlying cystinosis (PMID: 9792862,10673275) and it is a founder mutation that has been detected in 76% of affected northern European individuals. Loss-of-function variants in CTNS are known to be pathogenic (PMID: 9537412, 27102039). For these reasons, this variant has been classified as Pathogenic.

Literature cited by the submitters: PubMed 9792862; PubMed 10673275; PubMed 18186520; PubMed 10625078; PubMed 27734949.

NC_000017.11:g.(?_3636418)_(3658195_?)del

Genes: CTNS (cystinosin, lysosomal cystine transporter; plus strand), CTNS-AS1 (CTNS antisense RNA 1; minus strand), LOC130059980 (ATAC-STARR-seq lymphoblastoid active region 11511; plus strand), LOC130059981 (ATAC-STARR-seq lymphoblastoid silent region 8015; plus strand). Cytogenetic location: 17p13.2.
Variant type: Deletion.
Identifiers: ClinVar variation 455786 (VCV000455786.2).